The following is an entry in ClinVar:

ClinVar aggregate classification (germline): Conflicting classifications of pathogenicity. Review status: criteria provided, conflicting classifications (1 of 4 stars). 3 submissions from 3 submitters: Uncertain significance (2); Likely benign (1). Last evaluated 2026-09-30.

Conditions:
Cardiovascular phenotype. Identifiers: MedGen CN230736.

Submissions (3):

GeneDx
Classification: Likely benign. Last evaluated: 2026-09-30. Review status: criteria provided, single submitter. Criteria: GeneDx Variant Classification Process June 2021. Collection method: clinical testing. Allele origin: germline.
Comment: See Variant Classification Assertion Criteria.

Ambry Genetics
Classification: Uncertain significance for Cardiovascular phenotype. Last evaluated: 2024-10-16. Review status: criteria provided, single submitter. Criteria: Ambry Variant Classification Scheme 2023. Collection method: clinical testing. Allele origin: germline.
Comment: The c.1528_1529delGGinsAC variant (also known as p.G510T), located in coding exon 1 of the ZNF469 gene, results from an in-frame deletion of GG and insertion of AC at nucleotide positions 1528 to 1529. This results in the substitution of the glycine residue for a threonine residue at codon 510, an amino acid with similar properties. Based on data from gnomAD, this allele has an overall frequency of 0.004% (7/175368) total alleles studied. The highest observed frequency was 0.009% (2/22570) of South Asian alleles. This amino acid position is poorly conserved in available vertebrate species. In addition, this alteration is predicted to be neutral by in silico analysis (Choi Y et al. PLoS ONE. 2012; 7(10):e46688). Since supporting evidence is limited at this time, the clinical significance of this alteration remains unclear.

Labcorp Genetics (formerly Invitae), Labcorp
Classification: Uncertain significance. Last evaluated: 2021-11-02. Review status: criteria provided, single submitter. Criteria: Invitae Variant Classification Sherloc (09022015). Collection method: clinical testing. Allele origin: germline.
Comment: This sequence change replaces glycine, which is neutral and non-polar, with threonine, which is neutral and polar, at codon 510 of the ZNF469 protein (p.Gly510Thr). Information on the frequency of this variant in the gnomAD database is not available, as this variant may be reported differently in the database. This variant has not been reported in the literature in individuals affected with ZNF469-related conditions. Algorithms developed to predict the effect of missense changes on protein structure and function are either unavailable or do not agree on the potential impact of this missense change (SIFT: "Not Available"; PolyPhen-2: "Benign"; Align-GVGD: "Not Available"). In summary, the available evidence is currently insufficient to determine the role of this variant in disease. Therefore, it has been classified as a Variant of Uncertain Significance.

NM_001367624.2(ZNF469):c.1528_1529delinsAC (p.Gly510Thr)

Gene: ZNF469 (zinc finger protein 469; plus strand). Cytogenetic location: 16q24.2.
Variant type: Indel.
Coding change: c.1528_1529delinsAC on transcript NM_001367624.2 (MANE Select); coding-DNA positions 1528 to 1529, GG replaced by AC.
Protein change: p.Gly510Thr; replaces glycine 510 with threonine.
Molecular consequence: missense variant.
Genome position (GRCh38, 1-based): chr16:88,428,998-88,428,999, GG replaced by AC. VCF-style: chr16-88428998-GG-AC. GRCh37 (hg19) VCF-style: chr16-88495406-GG-AC.
Other names: NM_001127464.1:c.1528_1529delGGinsAC; short protein forms G510T.
Identifiers: ClinVar variation 515298 (VCV000515298.48), dbSNP rs1555518716, ClinGen allele CA658798649.